The following is an entry in ClinVar:

NM_178857.6(RP1L1):c.*356C>G

Gene: RP1L1 (RP1 like 1). Cytogenetic location: 8p23.1.
Variant type: single nucleotide variant.
Coding change: c.*356C>G on transcript NM_178857.6 (MANE Select); 356 bases downstream of the stop codon, C replaced by G.
Molecular consequence: 3 prime UTR variant.
Genome position (GRCh38, 1-based): chr8:10,606,539, G>C on the plus strand (C>G on the coding strand, the complement: RP1L1 is on the minus strand). VCF-style: chr8-10606539-G-C. GRCh37 (hg19) VCF-style: chr8-10464049-G-C.
Identifiers: ClinVar variation 361189 (VCV000361189.5), dbSNP rs79353166, ClinGen allele CA10626704.
Genomic context (GRCh38, chr8:10,606,539, plus strand): 5'-ACAGAAGCCAAGGAGAAAAGTAACAGGAGATCAACAGGGAAAAGACAGAGAGCAACACTT[G>C]CTAGCAGAAAACAAACCCACAAACAAAAGCTAAACTGGAGCCTTTCCAATCAGTTCCATC-3'

ClinVar aggregate classification (germline): Benign (1 of 4 stars; one submission).

Conditions:
Occult macular dystrophy (OCMD). Also called: OMD; OCCULT MACULAR DYSTROPHY, SUSCEPTIBILITY TO. Identifiers: Orphanet 247834, MedGen C3150833, MONDO:0013316, OMIM 613587, HP:0030636.

Allele frequency attached by ClinVar (database versions not stated): gnomAD exomes 0.00099; gnomAD 0.01299 and 0.01403; 1000 Genomes Project 0.01418; TOPMed 0.01469; 1000 Genomes Project 30x 0.01671.
gnomAD v4.1: 2,108 of 289,440 alleles (0.73%); highest among the groups gnomAD compares: African/African-American, 4.4%; 35 homozygotes.

Submission:

Illumina Laboratory Services, Illumina
Classification: Benign for Occult macular dystrophy. Last evaluated: 2018-01-13. Review status: criteria provided, single submitter. Criteria: ICSL Variant Classification Criteria 13 December 2019. Collection method: clinical testing. Allele origin: germline.
Comment: This variant was observed in the ICSL laboratory as part of a predisposition screen in an ostensibly healthy population. It had not been previously curated by ICSL or reported in the Human Gene Mutation Database (HGMD: prior to June 1st, 2018), and was therefore a candidate for classification through an automated scoring system. Utilizing variant allele frequency, disease prevalence and penetrance estimates, and inheritance mode, an automated score was calculated to assess if this variant is too frequent to cause the disease. Based on the score and internal cut-off values, a variant classified as benign is not then subjected to further curation. The score for this variant resulted in a classification of benign for this disease.